The following is an entry in ClinVar:

NM_001735.3(C5):c.1717-8A>G

Gene: C5 (complement C5; minus strand). Cytogenetic location: 9q33.2.
Variant type: single nucleotide variant.
Coding change: c.1717-8A>G on transcript NM_001735.3 (MANE Select); 8 bases into the intron before coding-DNA position 1717, A replaced by G.
Molecular consequence: intron variant.
Genome position (GRCh38, 1-based): chr9:121,017,519, T>C on the plus strand (A>G on the coding strand, the complement: C5 is on the minus strand). VCF-style: chr9-121017519-T-C. GRCh37 (hg19) VCF-style: chr9-123779797-T-C.
Other names: c.1735-8A>G (NM_001317163.2); c.1717-8A>G (NM_001317164.2).
Identifiers: ClinVar variation 2144487 (VCV002144487.3), dbSNP rs2047318278, ClinGen allele CA1876888548.

ClinVar aggregate classification (germline): Uncertain significance (1 of 4 stars; one submission).

Allele frequency attached by ClinVar (database versions not stated): TOPMed 0.00001.

Submission:

Labcorp Genetics (formerly Invitae), Labcorp
Classification: Uncertain significance. Last evaluated: 2025-10-01. Review status: criteria provided, single submitter. Criteria: Invitae Variant Classification Sherloc (09022015). Collection method: clinical testing. Allele origin: germline.
Comment: This sequence change falls in intron 13 of the C5 gene. It does not directly change the encoded amino acid sequence of the C5 protein. This variant is not present in population databases (gnomAD no frequency). This variant has not been reported in the literature in individuals affected with C5-related conditions. ClinVar contains an entry for this variant (Variation ID: 2144487). Algorithms developed to predict the effect of sequence changes on RNA splicing suggest that this variant may disrupt the consensus splice site. In summary, the available evidence is currently insufficient to determine the role of this variant in disease. Therefore, it has been classified as a Variant of Uncertain Significance.